The following is an entry in ClinVar:

NM_001104631.2(PDE4D):c.*1850T>C

Gene: PDE4D (phosphodiesterase 4D; minus strand). Cytogenetic location: 5q11.2.
Variant type: single nucleotide variant.
Coding change: c.*1850T>C on transcript NM_001104631.2 (MANE Select); 1850 bases downstream of the stop codon, T replaced by C.
Molecular consequence: 3 prime UTR variant.
Genome position (GRCh38, 1-based): chr5:58,972,814, A>G on the plus strand (T>C on the coding strand, the complement: PDE4D is on the minus strand). VCF-style: chr5-58972814-A-G. GRCh37 (hg19) VCF-style: chr5-58268641-A-G.
Other names: c.*1850T>C (NM_001165899.2, NM_001197218.2, NM_001197219.2 and 11 more transcripts).
Identifiers: ClinVar variation 904968 (VCV000904968.4), dbSNP rs77207456, ClinGen allele CA15376567.

ClinVar aggregate classification (germline): Benign (1 of 4 stars; one submission).

Conditions:
Acrodysostosis 2 with or without hormone resistance. Also called: ACRODYSOSTOSIS 2 WITH HORMONE RESISTANCE; ACRODYSOSTOSIS 2 WITHOUT HORMONE RESISTANCE. Identifiers: Orphanet 280651, MedGen C3553250, MONDO:0013822, OMIM 614613.

Allele frequency attached by ClinVar (database versions not stated): 1000 Genomes Project 30x 0.01031; 1000 Genomes Project 0.01058; gnomAD 0.01364 and 0.01493; TOPMed 0.01576.

Submission:

Illumina Laboratory Services, Illumina
Classification: Benign for Acrodysostosis 2 with or without hormone resistance. Last evaluated: 2018-01-12. Review status: criteria provided, single submitter. Criteria: ICSL Variant Classification Criteria 13 December 2019. Collection method: clinical testing. Allele origin: germline.
Comment: This variant was observed in the ICSL laboratory as part of a predisposition screen in an ostensibly healthy population. It had not been previously curated by ICSL or reported in the Human Gene Mutation Database (HGMD: prior to June 1st, 2018), and was therefore a candidate for classification through an automated scoring system. Utilizing variant allele frequency, disease prevalence and penetrance estimates, and inheritance mode, an automated score was calculated to assess if this variant is too frequent to cause the disease. Based on the score and internal cut-off values, a variant classified as benign is not then subjected to further curation. The score for this variant resulted in a classification of benign for this disease.